The following is an entry in ClinVar:

ClinVar aggregate classification (germline): Uncertain significance. Review status: criteria provided, multiple submitters, no conflicts (2 of 4 stars). 2 submissions from 2 submitters: Uncertain significance (2). Last evaluated 2025-01-28.

Allele frequency attached by ClinVar (database versions not stated): 1000 Genomes Project 30x 0.00016; ExAC 0.00037.
gnomAD v4.1: 154 of 695,256 alleles (0.022%); highest among the groups gnomAD compares: South Asian, 0.052%; no homozygotes.

Submissions (2):

Labcorp Genetics (formerly Invitae), Labcorp
Classification: Uncertain significance. Last evaluated: 2025-01-28. Review status: criteria provided, single submitter. Criteria: Invitae Variant Classification Sherloc (09022015). Collection method: clinical testing. Allele origin: germline.
Comment: This variant occurs in the RNU4ATAC gene, which encodes an RNA molecule that does not result in a protein product. This variant is present in population databases (rs563882222, gnomAD 0.06%). This variant has not been reported in the literature in individuals affected with RNU4ATAC-related conditions. ClinVar contains an entry for this variant (Variation ID: 1507850). Experimental studies and prediction algorithms are not available or were not evaluated, and the functional significance of this variant is currently unknown. In summary, the available evidence is currently insufficient to determine the role of this variant in disease. Therefore, it has been classified as a Variant of Uncertain Significance.

Blueprint Genetics
Classification: Uncertain significance. Last evaluated: 2024-11-08. Review status: criteria provided, single submitter. Criteria: ACMG Guidelines, 2015. Collection method: clinical testing. Allele origin: germline.

NC_000002.12:g.121530898G>A

Genes: CLASP1 (cytoplasmic linker associated protein 1; minus strand), CLASP1-AS1 (CLASP1 antisense RNA 1; plus strand), RNU4ATAC (RNA, U4atac small nuclear; plus strand). Cytogenetic location: 2q14.2.
Variant type: single nucleotide variant.
Molecular consequence: intron variant (on NM_001395891.1).
Genome position: GRCh38 VCF-style: chr2-121530898-G-A. GRCh37 (hg19) VCF-style: chr2-122288474-G-A.
Other names: c.196-573C>T (NM_001142274.2, NM_015282.3, NM_001378003.1 and 5 more transcripts).
Identifiers: ClinVar variation 1507850 (VCV001507850.5), dbSNP rs563882222, ClinGen allele CA1854683.